The following is an entry in ClinVar:

ClinVar aggregate classification (germline): Uncertain significance. Review status: criteria provided, multiple submitters, no conflicts (2 of 4 stars). 2 submissions from 2 submitters: Uncertain significance (2). Last evaluated 2023-06-22.

Conditions:
Rienhoff syndrome. Also called: LOEYS-DIETZ SYNDROME 5. Identifiers: MedGen C3810012, MONDO:0014262, OMIM 615582.
Familial thoracic aortic aneurysm and aortic dissection (TAAD). Also called: Thoracic aortic aneurysms and dissections. Identifiers: Orphanet 91387, MedGen C4707243, MONDO:0019625.

Allele frequency attached by ClinVar (database versions not stated): gnomAD exomes 0.00001; ExAC 0.00002.
gnomAD v4.1: 5 of 1,614,200 alleles (0.00031%); highest among the groups gnomAD compares: South Asian, 0.0055%; no homozygotes.

Submissions (2):

Neuberg Centre For Genomic Medicine, NCGM
Classification: Uncertain significance for Rienhoff syndrome. Last evaluated: 2023-06-22. Review status: criteria provided, single submitter. Criteria: ACMG Guidelines, 2015. Collection method: clinical testing. Allele origin: germline. Inheritance: Autosomal dominant inheritance. Affected: yes.
Comment: The observed missense c.68C>G (p.Ser23Cys) variant in TGFB3 gene has not been previously reported as a pathogenic nor as a benign variant, to our knowledge. The p.Ser23Cys variant is present with allelic frequency 0.002% in gnomAD exomes. This variant has been submitted to the ClinVar database as Uncertain Significance. Multiple lines of computational evidences (Polyphen - Pobably damaging, SIFT- Tolerated, MutationTaster - Disease causing) predict a conflicting effect on protein structure and function for this variant. The reference amino acid of p.Ser23Cys in TGFB3 gene is predicted as conserved by GERP++ and PhyloP across 100 vertebrates. The amino acid Ser at position 23 is changed to a Cys changing protein sequence and it might alter its composition and physico-chemical properties. For these reasons, this variant has been classified as Variant of Uncertain Significance (VUS).

Ambry Genetics
Classification: Uncertain significance for Familial thoracic aortic aneurysm and aortic dissection. Last evaluated: 2022-05-30. Review status: criteria provided, single submitter. Criteria: Ambry Variant Classification Scheme 2023. Collection method: clinical testing. Allele origin: germline.
Comment: The p.S23C variant (also known as c.68C>G), located in coding exon 1 of the TGFB3 gene, results from a C to G substitution at nucleotide position 68. The serine at codon 23 is replaced by cysteine, an amino acid with dissimilar properties. This amino acid position is conserved. In addition, this alteration is predicted to be tolerated by in silico analysis. Since supporting evidence is limited at this time, the clinical significance of this alteration remains unclear.

NM_003239.5(TGFB3):c.68C>G (p.Ser23Cys)

Gene: TGFB3 (transforming growth factor beta 3; minus strand). Cytogenetic location: 14q24.3.
Variant type: single nucleotide variant.
Coding change: c.68C>G on transcript NM_003239.5 (MANE Select); coding-DNA position 68, C replaced by G.
Protein change: p.Ser23Cys; replaces serine 23 with cysteine.
Molecular consequence: missense variant.
Genome position (GRCh38, 1-based): chr14:75,980,826, G>C on the plus strand (C>G on the coding strand, the complement: TGFB3 is on the minus strand). VCF-style: chr14-75980826-G-C. GRCh37 (hg19) VCF-style: chr14-76447169-G-C.
Other names: c.68C>G, p.Ser23Cys (NM_001329938.2, NM_001329939.2); short protein forms S23C.
Identifiers: ClinVar variation 1756056 (VCV001756056.3), dbSNP rs746886966, ClinGen allele CA7280525.